The following is an entry in ClinVar:

ClinVar aggregate classification (germline): Uncertain significance. Review status: criteria provided, multiple submitters, no conflicts (2 of 4 stars). 2 submissions from 2 submitters: Uncertain significance (2). Last evaluated 2024-10-15.

Conditions:
Charcot-Marie-Tooth disease type 2. Also called: Charcot-Marie-Tooth type 2. Identifiers: Orphanet 64746, MedGen C0270914, MONDO:0018993.

Allele frequency attached by ClinVar (database versions not stated): gnomAD 0.00001; TOPMed 0.00002; ExAC 0.00001.

Submissions (2):

Labcorp Genetics (formerly Invitae), Labcorp
Classification: Uncertain significance for Charcot-Marie-Tooth disease type 2. Last evaluated: 2024-10-15. Review status: criteria provided, single submitter. Criteria: Invitae Variant Classification Sherloc (09022015). Collection method: clinical testing. Allele origin: germline.
Comment: This sequence change replaces proline, which is neutral and non-polar, with threonine, which is neutral and polar, at codon 577 of the GARS protein (p.Pro577Thr). This variant is not present in population databases (gnomAD no frequency). This variant has not been reported in the literature in individuals affected with GARS-related conditions. ClinVar contains an entry for this variant (Variation ID: 579111). Invitae Evidence Modeling of protein sequence and biophysical properties (such as structural, functional, and spatial information, amino acid conservation, physicochemical variation, residue mobility, and thermodynamic stability) indicates that this missense variant is expected to disrupt GARS protein function with a positive predictive value of 95%. In summary, the available evidence is currently insufficient to determine the role of this variant in disease. Therefore, it has been classified as a Variant of Uncertain Significance.

GeneDx
Classification: Uncertain significance. Last evaluated: 2023-10-18. Review status: criteria provided, single submitter. Criteria: GeneDx Variant Classification Process June 2021. Collection method: clinical testing. Allele origin: germline. Affected: yes.
Comment: Not observed at significant frequency in large population cohorts (gnomAD); In silico analysis supports that this missense variant has a deleterious effect on protein structure/function; Has not been previously published as pathogenic or benign to our knowledge; This variant is associated with the following publications: (PMID: 26503042, 26138142, 25168514)

NM_002047.4(GARS1):c.1729C>A (p.Pro577Thr)

Gene: GARS1 (glycyl-tRNA synthetase 1; plus strand). Cytogenetic location: 7p14.3.
Variant type: single nucleotide variant.
Coding change: c.1729C>A on transcript NM_002047.4 (MANE Select); coding-DNA position 1729, C replaced by A.
Protein change: p.Pro577Thr; replaces proline 577 with threonine.
Molecular consequence: missense variant.
Genome position (GRCh38, 1-based): chr7:30,628,589, C>A. VCF-style: chr7-30628589-C-A. GRCh37 (hg19) VCF-style: chr7-30668205-C-A.
Other names: c.1729C>A (LRG_243t1); c.1567C>A, p.Pro523Thr (NM_001316772.1); short protein forms P577T, P523T.
Identifiers: ClinVar variation 579111 (VCV000579111.9), dbSNP rs754547488, ClinGen allele CA4206060.